The following is an entry in ClinVar:

NM_000382.3(ALDH3A2):c.856C>T (p.Arg286Cys)

Gene: ALDH3A2 (aldehyde dehydrogenase 3 family member A2; plus strand). Cytogenetic location: 17p11.2.
Variant type: single nucleotide variant.
Coding change: c.856C>T on transcript NM_000382.3 (MANE Select); coding-DNA position 856, C replaced by T.
Protein change: p.Arg286Cys; replaces arginine 286 with cysteine.
Molecular consequence: missense variant.
Genome position (GRCh38, 1-based): chr17:19,661,184, C>T. VCF-style: chr17-19661184-C-T. GRCh37 (hg19) VCF-style: chr17-19564497-C-T.
Other names: c.856C>T, p.Arg286Cys (NM_001031806.2, NM_001369136.1, NM_001369137.2 and 3 more transcripts); c.277C>T, p.Arg93Cys (NM_001369148.2); short protein forms R93C, R286C.
Identifiers: ClinVar variation 1522130 (VCV001522130.6), dbSNP rs150614683, ClinGen allele CA8442931.

ClinVar aggregate classification (germline): Uncertain significance (1 of 4 stars; one submission).

Allele frequency attached by ClinVar (database versions not stated): ExAC 0.00010; gnomAD 0.00001; gnomAD exomes 0.00007; ESP Exome Variant Server 0.00008.
gnomAD v4.1: 48 of 1,613,240 alleles (0.003%); highest among the groups gnomAD compares: Non-Finnish European, 0.0029%; no homozygotes.

Submission:

Labcorp Genetics (formerly Invitae), Labcorp
Classification: Uncertain significance. Last evaluated: 2024-09-23. Review status: criteria provided, single submitter. Criteria: Invitae Variant Classification Sherloc (09022015). Collection method: clinical testing. Allele origin: germline.
Comment: This sequence change replaces arginine, which is basic and polar, with cysteine, which is neutral and slightly polar, at codon 286 of the ALDH3A2 protein (p.Arg286Cys). This variant is present in population databases (rs150614683, gnomAD 0.01%). This variant has not been reported in the literature in individuals affected with ALDH3A2-related conditions. ClinVar contains an entry for this variant (Variation ID: 1522130). Invitae Evidence Modeling of protein sequence and biophysical properties (such as structural, functional, and spatial information, amino acid conservation, physicochemical variation, residue mobility, and thermodynamic stability) has been performed for this missense variant. However, the output from this modeling did not meet the statistical confidence thresholds required to predict the impact of this variant on ALDH3A2 protein function. In summary, the available evidence is currently insufficient to determine the role of this variant in disease. Therefore, it has been classified as a Variant of Uncertain Significance.